The following is an entry in ClinVar:

ClinVar aggregate classification (germline): Uncertain significance. Review status: criteria provided, multiple submitters, no conflicts (2 of 4 stars). 2 submissions from 2 submitters: Uncertain significance (2). Last evaluated 2025-03-31.

Allele frequency attached by ClinVar (database versions not stated): TOPMed 0.00001; gnomAD exomes 0.00002; ExAC 0.00003; gnomAD 0.00003; 1000 Genomes Project 30x 0.00094; 1000 Genomes Project 0.00120.
gnomAD v4.1: 15 of 1,614,200 alleles (0.00093%); highest among the groups gnomAD compares: African/African-American, 0.017%; no homozygotes.

Submissions (2):

Labcorp Genetics (formerly Invitae), Labcorp
Classification: Uncertain significance. Last evaluated: 2025-03-31. Review status: criteria provided, single submitter. Criteria: Invitae Variant Classification Sherloc (09022015). Collection method: clinical testing. Allele origin: germline.
Comment: This sequence change replaces glutamic acid, which is acidic and polar, with lysine, which is basic and polar, at codon 737 of the CEP250 protein (p.Glu737Lys). This variant is present in population databases (rs115892599, gnomAD 0.03%). This variant has not been reported in the literature in individuals affected with CEP250-related conditions. ClinVar contains an entry for this variant (Variation ID: 1505222). An algorithm developed to predict the effect of missense changes on protein structure and function (PolyPhen-2) suggests that this variant is likely to be disruptive. In summary, the available evidence is currently insufficient to determine the role of this variant in disease. Therefore, it has been classified as a Variant of Uncertain Significance.

Blueprint Genetics
Classification: Uncertain significance. Last evaluated: 2024-02-02. Review status: criteria provided, single submitter. Criteria: ACMG Guidelines, 2015. Collection method: clinical testing. Allele origin: germline.

NM_007186.6(CEP250):c.2209G>A (p.Glu737Lys)

Genes: CEP250 (centrosomal protein 250; plus strand), CEP250-AS1 (CEP250 antisense RNA 1; minus strand). Cytogenetic location: 20q11.22.
Variant type: single nucleotide variant.
Coding change: c.2209G>A on transcript NM_007186.6 (MANE Select); coding-DNA position 2209, G replaced by A.
Protein change: p.Glu737Lys; replaces glutamic acid 737 with lysine.
Molecular consequence: missense variant.
Genome position (GRCh38, 1-based): chr20:35,479,345, G>A. VCF-style: chr20-35479345-G-A. GRCh37 (hg19) VCF-style: chr20-34067170-G-A.
Other names: c.313G>A, p.Glu105Lys (NM_001318219.1); short protein forms E105K, E737K.
Identifiers: ClinVar variation 1505222 (VCV001505222.7), dbSNP rs115892599, ClinGen allele CA9833119.